The following is an entry in ClinVar:

NM_000359.3(TGM1):c.316C>T (p.Arg106Ter)

Gene: TGM1 (transglutaminase 1; minus strand). Cytogenetic location: 14q12.
Variant type: single nucleotide variant.
Coding change: c.316C>T on transcript NM_000359.3 (MANE Select); coding-DNA position 316, C replaced by T.
Protein change: p.Arg106Ter; replaces arginine 106 with a stop codon.
Molecular consequence: nonsense.
Genome position (GRCh38, 1-based): chr14:24,262,037, G>A on the plus strand (C>T on the coding strand, the complement: TGM1 is on the minus strand). VCF-style: chr14-24262037-G-A. GRCh37 (hg19) VCF-style: chr14-24731243-G-A.
Other names: short protein forms R106*.
Identifiers: ClinVar variation 558256 (VCV000558256.16), dbSNP rs773303931, ClinGen allele CA7131482.
Genomic context (GRCh38, chr14:24,262,037, plus strand): 5'-TCTCTGGTCCCATTAAAGCCTTTTAGCTCTCAGCTGAGGAGGACAGACCGGCCTCACCTC[G>A]GATGGTGCCATCTCCAGCTGCATTGACACCGCTGCCCCGGGATACAGGCCGGCGGGAGTC-3'

ClinVar aggregate classification (germline): Pathogenic. Review status: criteria provided, multiple submitters, no conflicts (2 of 4 stars). 5 submissions from 5 submitters: Pathogenic (4). 1 of the submissions does not count toward it. Last evaluated 2025-05-13.

Conditions:
Autosomal recessive congenital ichthyosis 1 (LI1). Also called: ICHTHYOSIS CONGENITA; ICHTHYOSIS CONGENITA II; LAMELLAR EXFOLIATION OF NEWBORN; ICHTHYOSIS, CONGENITAL, AUTOSOMAL RECESSIVE 1, WITH BATHING SUIT DISTRIBUTION; ICHTHYOSIS, CONGENITAL, AUTOSOMAL RECESSIVE 1, WITH OR WITHOUT BATHING SUIT DISTRIBUTION; COLLODION FETUS. Identifiers: MedGen C4551630, MONDO:0009441, OMIM 242300.

Allele frequency attached by ClinVar (database versions not stated): TOPMed 0.00001; ExAC 0.00002; gnomAD 0.00002.

Submissions (5):

Natera, Inc.
Classification: Pathogenic for Autosomal recessive congenital ichthyosis type 1. Last evaluated: 2025-05-13. Review status: criteria provided, single submitter. Criteria: Natera Variant Classification Schema (03/2026). Collection method: clinical testing. Allele origin: germline.
Comment: The c.316C>T variant in TGM1 is a nonsense variant predicted to introduce a stop codon at amino acid 106. This variant is expected to result in nonsense mediated decay, truncation, or a dysfunctional protein product. This variant is rare in the general population with a frequency below the threshold expected for the associated phenotype(s). This variant has been observed in one or more individuals affected with the associated recessive disease, as either homozygous or compound heterozygous with a second variant (PMID: 17635512). Given the available evidence, this variant is classified as Pathogenic.

Fulgent Genetics
Classification: Pathogenic for Autosomal recessive congenital ichthyosis 1. Last evaluated: 2024-01-02. Review status: criteria provided, single submitter. Criteria: ACMG Guidelines, 2015. Collection method: clinical testing. Allele origin: germline.

Labcorp Genetics (formerly Invitae), Labcorp
Classification: Pathogenic. Last evaluated: 2023-08-05. Review status: criteria provided, single submitter. Criteria: Invitae Variant Classification Sherloc (09022015). Collection method: clinical testing. Allele origin: germline.
Comment: For these reasons, this variant has been classified as Pathogenic. ClinVar contains an entry for this variant (Variation ID: 558256). This variant is also known as g.1130C>T. This premature translational stop signal has been observed in individuals with congenital ichthyosis (PMID: 17635512, 20167857, 23278109). This variant is present in population databases (rs773303931, gnomAD 0.003%). This sequence change creates a premature translational stop signal (p.Arg106*) in the TGM1 gene. It is expected to result in an absent or disrupted protein product. Loss-of-function variants in TGM1 are known to be pathogenic (PMID: 18948357, 19241467).

Genome-Nilou Lab
Classification: Pathogenic for Autosomal recessive congenital ichthyosis 1. Review status: criteria provided, single submitter. Criteria: ACMG Guidelines, 2015. Collection method: clinical testing. Allele origin: germline.

Counsyl
Classification: Pathogenic for Autosomal recessive congenital ichthyosis 1. Last evaluated: 2018-05-10. Review status: no assertion criteria provided. Collection method: clinical testing. Allele origin: unknown. Not counted in ClinVar's aggregate classification.

Literature cited by the submitters: PubMed 17635512 (cited by 3 submitters); PubMed 20167857 (cited by Labcorp Genetics (formerly Invitae), Labcorp and Counsyl); PubMed 23278109 (cited by Labcorp Genetics (formerly Invitae), Labcorp and Counsyl); PubMed 18948357 (cited by Labcorp Genetics (formerly Invitae), Labcorp); PubMed 19241467 (cited by Labcorp Genetics (formerly Invitae), Labcorp).